The following is an entry in ClinVar:

ClinVar aggregate classification (germline): Benign/Likely benign. Review status: criteria provided, multiple submitters, no conflicts (2 of 4 stars). 3 submissions from 3 submitters: Benign (1); Likely benign (2). Last evaluated 2018-03-05.

Conditions:
PMM2-congenital disorder of glycosylation. Also called: CDG Ia; JAEKEN SYNDROME; PHOSPHOMANNOMUTASE 2 DEFICIENCY; Congenital disorder of glycosylation, type Ia; CARBOHYDRATE-DEFICIENT GLYCOPROTEIN SYNDROME, TYPE Ia; PMM2-CDG. Identifiers: Orphanet 79318, MedGen C0349653, MONDO:0008907, OMIM 212065.

Allele frequency attached by ClinVar (database versions not stated): gnomAD exomes 0.00082 and 0.00215; ExAC 0.00288; gnomAD 0.00842 and 0.00905; 1000 Genomes Project 0.00859; TOPMed 0.00959; 1000 Genomes Project 30x 0.00984; ESP Exome Variant Server 0.01031.
gnomAD v4.1: 2,486 of 1,589,946 alleles (0.16%); highest among the groups gnomAD compares: African/African-American, 3%; 29 homozygotes.

Submissions (3):

GeneDx
Classification: Benign. Last evaluated: 2018-03-05. Review status: criteria provided, single submitter. Criteria: GeneDx Variant Classification Process June 2021. Collection method: clinical testing. Allele origin: germline. Affected: yes.

Illumina Laboratory Services, Illumina
Classification: Likely benign for PMM2-congenital disorder of glycosylation. Last evaluated: 2018-01-13. Review status: criteria provided, single submitter. Criteria: ICSL Variant Classification Criteria 13 December 2019. Collection method: clinical testing. Allele origin: germline.
Comment: This variant was observed in the ICSL laboratory as part of a predisposition screen in an ostensibly healthy population. It had not been previously curated by ICSL or reported in the Human Gene Mutation Database (HGMD: prior to June 1st, 2018), and was therefore a candidate for classification through an automated scoring system. Utilizing variant allele frequency, disease prevalence and penetrance estimates, and inheritance mode, an automated score was calculated to assess if this variant is too frequent to cause the disease. Based on the score and internal cut-off values, a variant classified as likely benign is not then subjected to further curation. The score for this variant resulted in a classification of likely benign for this disease.

Breakthrough Genomics
Classification: Likely benign. Review status: criteria provided, single submitter. Criteria: ACMG Guidelines, 2015. Collection method: not provided. Allele origin: germline. Inheritance: Autosomal recessive inheritance. Affected: yes.

NM_000303.3(PMM2):c.*17G>A

Gene: PMM2 (phosphomannomutase 2; plus strand). Cytogenetic location: 16p13.2.
Variant type: single nucleotide variant.
Coding change: c.*17G>A on transcript NM_000303.3 (MANE Select); 17 bases downstream of the stop codon, G replaced by A.
Molecular consequence: 3 prime UTR variant.
Genome position (GRCh38, 1-based): chr16:8,847,842, G>A. VCF-style: chr16-8847842-G-A. GRCh37 (hg19) VCF-style: chr16-8941699-G-A.
Identifiers: ClinVar variation 321223 (VCV000321223.7), dbSNP rs9936097, ClinGen allele CA7894228.